The following is an entry in ClinVar:

ClinVar aggregate classification (germline): Likely pathogenic. Review status: criteria provided, multiple submitters, no conflicts (2 of 4 stars). 4 submissions from 4 submitters: Likely pathogenic (4). Last evaluated 2026-01-21.

Conditions:
GEMIN5-related neurodevelopmental disorder.
GEMIN5-related disorder. Also called: GEMIN5-related condition; GEMIN5-Related Disorders.
Neurodevelopmental disorder with cerebellar atrophy and motor dysfunction. Identifiers: MedGen C5543427, MONDO:0859152, OMIM 619333.
Inborn genetic diseases. Identifiers: MedGen C0950123, MeSH D030342.

Allele frequency attached by ClinVar (database versions not stated): TOPMed 0.00001; ExAC 0.00007; gnomAD exomes 0.00009.
gnomAD v4.1: 23 of 1,614,088 alleles (0.0014%); highest among the groups gnomAD compares: Admixed American, 0.038%; no homozygotes.

Submissions (4):

Women's Health and Genetics/Laboratory Corporation of America, LabCorp
Classification: Likely pathogenic for GEMIN5-Related Disorder. Last evaluated: 2026-01-21. Review status: criteria provided, single submitter. Criteria: LabCorp Variant Classification Summary - May 2015. Collection method: clinical testing. Allele origin: germline.
Comment: Variant summary: GEMIN5 c.2962A>T (p.Ile988Phe) results in a non-conservative amino acid change in the encoded protein sequence. Algorithms developed to predict the effect of missense changes on protein structure and function all suggest that this variant is likely to be disruptive. The variant allele was found at a frequency of 9.2e-05 in 251268 control chromosomes. This frequency is not significantly higher than estimated for disease-causing variants in GEMIN5, allowing no conclusion about variant significance. c.2962A>T has been reported in the literature in multiple compound heterozygous individuals affected with GEMIN5-Related Disorder (Kour_2021). These data indicate that the variant is likely to be associated with disease. To our knowledge, no experimental evidence demonstrating an impact on protein function has been reported. The following publications have been ascertained in the context of this evaluation (PMID: 33963192, 36980979, 38274568). ClinVar contains an entry for this variant (Variation ID: 1328172). Based on the evidence outlined above, the variant was classified as likely pathogenic.

Greenwood Genetic Center Diagnostic Laboratories, Greenwood Genetic Center
Classification: Likely pathogenic for Neurodevelopmental disorder with cerebellar atrophy and motor dysfunction. Last evaluated: 2024-02-05. Review status: criteria provided, single submitter. Criteria: ACMG Guidelines, 2015. Collection method: clinical testing. Allele origin: germline. Affected: yes.
Comment: PM3_Strong, PM2

Ambry Genetics
Classification: Likely pathogenic for Inborn genetic diseases. Last evaluated: 2023-01-30. Review status: criteria provided, single submitter. Criteria: Ambry Variant Classification Scheme 2023. Collection method: clinical testing. Allele origin: germline.
Comment: The c.2962A>T (p.I988F) alteration is located in exon 21 (coding exon 21) of the GEMIN5 gene. This alteration results from an A to T substitution at nucleotide position 2962, causing the isoleucine (I) at amino acid position 988 to be replaced by a phenylalanine (F). Based on data from gnomAD, the T allele has an overall frequency of 0.009% (23/251268) total alleles studied. The highest observed frequency was 0.066% (23/34590) of Latino alleles. This alteration was detected in conjunction with another alteration in GEMIN5 in multiple individuals with features consistent with GEMIN5-related neurodevelopmental disorder with cerebellar atrophy and motor dysfunction (Kour, 2021). This amino acid position is well conserved in available vertebrate species. The in silico prediction for this alteration is inconclusive. Based on the available evidence, this alteration is classified as likely pathogenic.

Illumina Laboratory Services, Illumina
Classification: Likely pathogenic for GEMIN5-related neurodevelopmental disorder. Last evaluated: 2021-08-18. Review status: criteria provided, single submitter. Criteria: ICSLVariantClassificationCriteria RUGD 01 April 2020. Collection method: clinical testing. Allele origin: unknown.
Comment: The GEMIN5 c.2962A>T (p.Ile988Phe) variant is a missense variant that has been reported in a compound heterozygous state in four affected individuals from three unrelated families (Kour et al. 2021). The variant is reported at a frequency of 0.000665 in the Latino/Admixed American population of the Genome Aggregation Database (version 2.1.1). Based on the available evidence, the p.Ile988Phe variant is classified as likely pathogenic for GEMIN5-related neurodevelopmental disorder.

Literature cited by the submitters: PubMed 33963192 (cited by 3 submitters); PubMed 38274568 (cited by Women's Health and Genetics/Laboratory Corporation of America, LabCorp); PubMed 36980979 (cited by Women's Health and Genetics/Laboratory Corporation of America, LabCorp).

NM_015465.5(GEMIN5):c.2962A>T (p.Ile988Phe)

Gene: GEMIN5 (gem nuclear organelle associated protein 5; minus strand). Cytogenetic location: 5q33.2.
Variant type: single nucleotide variant.
Coding change: c.2962A>T on transcript NM_015465.5 (MANE Select); coding-DNA position 2962, A replaced by T.
Protein change: p.Ile988Phe; replaces isoleucine 988 with phenylalanine.
Molecular consequence: missense variant.
Genome position (GRCh38, 1-based): chr5:154,901,391, T>A on the plus strand (A>T on the coding strand, the complement: GEMIN5 is on the minus strand). VCF-style: chr5-154901391-T-A. GRCh37 (hg19) VCF-style: chr5-154280951-T-A.
Other names: c.2959A>T, p.Ile987Phe (NM_001252156.2); c.2962A>T (NM_015465.3); short protein forms I987F, I988F.
Identifiers: ClinVar variation 1328172 (VCV001328172.10), dbSNP rs760029026, ClinGen allele CA3528521.